The following is an entry in ClinVar:

NM_025243.4(SLC19A3):c.68G>T (p.Gly23Val)

Gene: SLC19A3 (solute carrier family 19 member 3; minus strand). Cytogenetic location: 2q36.3.
Variant type: single nucleotide variant.
Coding change: c.68G>T on transcript NM_025243.4 (MANE Select); coding-DNA position 68, G replaced by T.
Protein change: p.Gly23Val; replaces glycine 23 with valine.
Molecular consequence: missense variant.
Genome position (GRCh38, 1-based): chr2:227,702,251, C>A on the plus strand (G>T on the coding strand, the complement: SLC19A3 is on the minus strand). VCF-style: chr2-227702251-C-A. GRCh37 (hg19) VCF-style: chr2-228566967-C-A.
Other names: c.68G>T (NM_001371412.1); short protein forms G23V.
Identifiers: ClinVar variation 4562 (VCV000004562.65), dbSNP rs121917882, ClinGen allele CA253226.

ClinVar aggregate classification (germline): Pathogenic/Likely pathogenic. Review status: criteria provided, multiple submitters, no conflicts (2 of 4 stars). 16 submissions from 16 submitters: Pathogenic (10); Likely pathogenic (4). 2 of the submissions do not count toward it. Last evaluated 2025-12-17.

Conditions:
SLC19A3-related disorder. Also called: SLC19A3-related condition.
Inborn genetic diseases. Identifiers: MedGen C0950123, MeSH D030342.
Biotin-responsive basal ganglia disease (BTBGD). Also called: Thiamine metabolism dysfunction syndrome type 2; thiamine-responsive encephalopathy; Thiamine metabolism dysfunction syndrome 2 (biotin- or thiamine-responsive encephalopathy type 2); Thiamine Transporter-2 Deficiency; THIAMINE METABOLISM DYSFUNCTION SYNDROME 2 (BIOTIN- AND THIAMINE-RESPONSIVE TYPE). Identifiers: Orphanet 199348, Orphanet 65284, MedGen C1843807, MONDO:0011841, OMIM 607483.

Allele frequency attached by ClinVar (database versions not stated): gnomAD 0.00003 and 0.00002; TOPMed 0.00002.
gnomAD v4.1: 40 of 1,613,826 alleles (0.0025%); highest among the groups gnomAD compares: Non-Finnish European, 0.0031%; no homozygotes.

Submissions (16):

Labcorp Genetics (formerly Invitae), Labcorp
Classification: Pathogenic for Biotin-responsive basal ganglia disease. Last evaluated: 2025-12-17. Review status: criteria provided, single submitter. Criteria: Invitae Variant Classification Sherloc (09022015). Collection method: clinical testing. Allele origin: germline.
Comment: This sequence change replaces glycine, which is neutral and non-polar, with valine, which is neutral and non-polar, at codon 23 of the SLC19A3 protein (p.Gly23Val). This variant is present in population databases (rs121917882, gnomAD 0.0009%). This missense change has been observed in individuals with biotin-responsive basal ganglia disease (PMID: 15871139, 23589815, 26657515, 29101630). It has also been observed to segregate with disease in related individuals. ClinVar contains an entry for this variant (Variation ID: 4562). Invitae Evidence Modeling of protein sequence and biophysical properties (such as structural, functional, and spatial information, amino acid conservation, physicochemical variation, residue mobility, and thermodynamic stability) indicates that this missense variant is expected to disrupt SLC19A3 protein function with a positive predictive value of 95%. Experimental studies have shown that this missense change does not substantially affect SLC19A3 function (PMID: 16790503). For these reasons, this variant has been classified as Pathogenic.

Women's Health and Genetics/Laboratory Corporation of America, LabCorp
Classification: Pathogenic for Biotin-responsive basal ganglia disease. Last evaluated: 2025-12-03. Review status: criteria provided, single submitter. Criteria: LabCorp Variant Classification Summary - May 2015. Collection method: clinical testing. Allele origin: germline.
Comment: Variant summary: SLC19A3 c.68G>T (p.Gly23Val) results in a non-conservative amino acid change in the encoded protein sequence. Algorithms developed to predict the effect of missense changes on protein structure and function all suggest that this variant is likely to be disruptive. The variant allele was found at a frequency of 4e-06 in 251438 control chromosomes. c.68G>T has been observed in multiple individuals affected with Basal ganglia disease, biotin-thiamine-responsive (examples: Zeng_2005, Whitford_2017). These data indicate that the variant is very likely to be associated with disease. The following publications have been ascertained in the context of this evaluation (PMID: 15871139, 28696212). ClinVar contains an entry for this variant (Variation ID: 4562). Based on the evidence outlined above, the variant was classified as pathogenic.

Intergen Genetics and Rare Diseases Diagnosis Center
Classification: Pathogenic for Biotin-responsive basal ganglia disease. Last evaluated: 2025-11-28. Review status: criteria provided, single submitter. Criteria: ACMG Guidelines, 2015. Collection method: clinical testing. Allele origin: germline. Inheritance: Autosomal recessive inheritance. Affected: yes. Observed: 1 homozygote.
Comment: SLC19A3:c.68G>T variant was reported in the patients with biotin/thiamine-responsive basal ganglia disease. (PMID: 40336053, 36175418, 34276785).

Myriad Genetics, Inc.
Classification: Likely pathogenic for Biotin-responsive basal ganglia disease. Last evaluated: 2025-10-15. Review status: criteria provided, single submitter. Criteria: Myriad Autosomal Dominant, Autosomal Recessive and X-Linked Classification Criteria (2023). Collection method: clinical testing. Allele origin: unknown.
Comment: NM_025243.3(SLC19A3):c.68G>T(G23V) is a missense variant classified as likely pathogenic in the context of biotin-thiamine-responsive basal ganglia disease. G23V has been observed in cases with relevant disease (PMID: 29101630, 28677371, 29287834, 23589815, 15871139, 38438125, 35532649, 23482991, 28696212). Relevant functional assessments of this variant are available in the literature (PMID: 16790503). G23V has been observed in referenced population frequency databases. In summary, NM_025243.3(SLC19A3):c.68G>T(G23V) is a missense variant that has been observed more frequently in cases with the relevant disease than in healthy populations. Please note: this variant was assessed in the context of healthy population screening.

Blueprint Genetics
Classification: Pathogenic for SLC19A3-related disorders. Last evaluated: 2024-05-27. Review status: criteria provided, single submitter. Criteria: ACMG Guidelines, 2015. Collection method: clinical testing. Allele origin: germline. Affected: yes. Observed: 5 variant alleles.

Institute of Human Genetics, University of Leipzig Medical Center
Classification: Pathogenic for Biotin-responsive basal ganglia disease. Last evaluated: 2023-12-04. Review status: criteria provided, single submitter. Criteria: ACMG Guidelines, 2015. Collection method: clinical testing. Allele origin: unknown. Inheritance: Autosomal recessive inheritance. Affected: yes.
Comment: Criteria applied: PM3_VSTR,PM5,PM2_SUP,PP3

Ambry Genetics
Classification: Pathogenic for Inborn genetic diseases. Last evaluated: 2023-04-18. Review status: criteria provided, single submitter. Criteria: Ambry Variant Classification Scheme 2023. Collection method: clinical testing. Allele origin: germline.
Comment: The c.68G>T (p.G23V) alteration is located in exon 2 (coding exon 1) of the SLC19A3 gene. This alteration results from a G to T substitution at nucleotide position 68, causing the glycine (G) at amino acid position 23 to be replaced by a valine (V). This allele was reported in one heterozygous individual in population-based cohorts in the Genome Aggregation Database (gnomAD). This alteration was detected in the homozygous state, and in conjunction with another alteration in SLC19A3, in multiple individuals with SLC19A3-related thiamine metabolism dysfunction syndrome (Gowda, 2018; Tonduti, 2018; Pronicki, 2017; Whitford, 2017; Kevelam, 2013; P&eacute;rez-Due&ntilde;as, 2013; Zeng, 2005). This amino acid position is highly conserved in available vertebrate species. Functional assays show impaired thiamine accumulation compared to controls in vitro (Subramanian, 2006). This alteration is predicted to be deleterious by in silico analysis. Based on the available evidence, this alteration is classified as pathogenic.

Department of Pathology and Laboratory Medicine, Sinai Health System
Classification: Likely pathogenic for Biotin-responsive basal ganglia disease. Last evaluated: 2023-04-18. Review status: criteria provided, single submitter. Criteria: ACMG Guidelines, 2015. Collection method: research. Allele origin: germline.

Laboratorio de Genetica e Diagnostico Molecular, Hospital Israelita Albert Einstein
Classification: Likely pathogenic for Biotin-responsive basal ganglia disease. Last evaluated: 2022-11-04. Review status: criteria provided, single submitter. Criteria: ACMG Guidelines, 2015. Collection method: clinical testing. Allele origin: germline. Affected: yes. Observed: 1 variant allele.
Comment: ACMG classification criteria: PS3 supporting, PM2 moderated, PM3 strong, PP1 supporting, PP3 supporting

CeGaT Center for Human Genetics Tuebingen
Classification: Pathogenic. Last evaluated: 2020-12-01. Review status: criteria provided, single submitter. Criteria: CeGaT Center For Human Genetics Tuebingen Variant Classification Criteria Version 2. Collection method: clinical testing. Allele origin: germline. Affected: yes. Observed: 1 variant allele.

Centre for Mendelian Genomics, University Medical Centre Ljubljana
Classification: Pathogenic for Biotin-responsive basal ganglia disease. Last evaluated: 2019-03-15. Review status: criteria provided, single submitter. Criteria: ACMG Guidelines, 2015. Collection method: clinical testing. Allele origin: unknown. Affected: yes.
Comment: This variant was classified as: Pathogenic. The following ACMG criteria were applied in classifying this variant: PS1,PS3,PM2.

Genomic Research Center, Shahid Beheshti University of Medical Sciences
Classification: Pathogenic for Biotin-responsive basal ganglia disease. Last evaluated: 2017-12-18. Review status: criteria provided, single submitter. Criteria: ACMG Guidelines, 2015. Collection method: clinical testing. Allele origin: inherited. Affected: yes.

Juno Genomics, Hangzhou Juno Genomics, Inc
Classification: Likely pathogenic for Biotin-responsive basal ganglia disease. Review status: criteria provided, single submitter. Criteria: ACMG Guidelines, 2015. Collection method: clinical testing. Allele origin: germline.
Comment: Absent from controls (or at extremely low frequency if recessive) in Genome Aggregation Database.;Multiple lines of computational evidence support a deleterious effect on the gene or gene product.;For recessive disorders, detected in trans with a pathogenic variant.;Patient's phenotype or family history is highly specific for a disease with a single genetic etiology.

Neuberg Centre For Genomic Medicine, NCGM
Classification: Pathogenic for Biotin-responsive basal ganglia disease. Review status: criteria provided, single submitter. Criteria: ACMG Guidelines, 2015. Collection method: clinical testing. Allele origin: germline. Inheritance: Autosomal recessive inheritance. Affected: yes.
Comment: The missense variant p.G23V in SLC19A3 (NM_025243.4) has been previosuly reported to segregate with biotin-responsive basal ganglia disease in families ( Zeng et al, 2005; Pérez et al, 2013). This variant has been reported to affect SLC19A3 protein function (Subramanian et al, 2006). The p.G23V variant has a gnomAD frequency of 0.0003977 % and is novel (not in any individuals) in 1000 Genomes. There is a moderate physicochemical difference between glycine and valine. The p.G23V missense variant is predicted to be damaging by both SIFT and PolyPhen2. The nucleotide c.68 in SLC19A3 is predicted conserved by GERP++ and PhyloP across 100 vertebrates. For these reasons, this variant has been classified as Pathogenic.

Applied Translational Genetics Group, University of Auckland
Classification: Pathogenic for Biotin-responsive basal ganglia disease. Last evaluated: 2017-03-20. Review status: no assertion criteria provided. Collection method: research. Allele origin: maternal. Affected: yes. Observed: 2 compound heterozygotes. Not counted in ClinVar's aggregate classification.

OMIM
Classification: Pathogenic for BIOTIN-THIAMINE-RESPONSIVE BASAL GANGLIA DISEASE. Last evaluated: 2006-11-01. Review status: no assertion criteria provided. Collection method: literature only. Allele origin: germline. Not counted in ClinVar's aggregate classification.

Literature cited by the submitters: PubMed 15871139 (cited by 5 submitters); PubMed 23589815 (cited by 3 submitters); PubMed 26657515 (cited by Labcorp Genetics (formerly Invitae), Labcorp); PubMed 29101630 (cited by 3 submitters); PubMed 16790503 (cited by 4 submitters); PubMed 28696212 (cited by 3 submitters); PubMed 40336053 (cited by Intergen Genetics and Rare Diseases Diagnosis Center); PubMed 36175418 (cited by Intergen Genetics and Rare Diseases Diagnosis Center); PubMed 34276785 (cited by Intergen Genetics and Rare Diseases Diagnosis Center); PubMed 23482991 (cited by Myriad Genetics, Inc. and Ambry Genetics); PubMed 28677371 (cited by Myriad Genetics, Inc. and Ambry Genetics); PubMed 29287834 (cited by Myriad Genetics, Inc. and Ambry Genetics); PubMed 35532649 (cited by Myriad Genetics, Inc.); PubMed 38438125 (cited by Myriad Genetics, Inc.).